The following is an entry in ClinVar:

ClinVar aggregate classification (germline): Likely pathogenic (1 of 4 stars; one submission).

Conditions:
Cardiac malformation, cleft lip/palate, microcephaly, and digital anomalies. Also called: CLEFT PALATE, CARDIAC DEFECTS, AND IMPAIRED INTELLECTUAL DEVELOPMENT. Identifiers: MedGen C1832950, MONDO:0010970, OMIM 600987.

Submission:

3billion
Classification: Likely pathogenic for Cardiac malformation, cleft lip/palate, microcephaly, and digital anomalies. Last evaluated: 2024-01-11. Review status: criteria provided, single submitter. Criteria: ACMG Guidelines, 2015. Collection method: clinical testing. Allele origin: germline. Affected: yes.
Comment: The variant is not observed in the gnomAD v2.1.1 dataset. Predicted Consequence/Location: The variant is located in a mutational hot spot and/or well-established functional domain in which established pathogenic variants have been reported. In silico tool predictions suggest damaging effect of the variant on gene or gene product [REVEL: 0.97 (>=0.6, sensitivity 0.68 and specificity 0.92); 3Cnet: 0.96 (>=0.6, sensitivity 0.72 and precision 0.9)]. A different missense change at the same codon (p.Tyr303Asn) has been reported to be associated with MEIS2-related disorder (ClinVar ID: VCV001706599). However, the evidence of pathogenicity is insufficient at this time. Therefore, this variant is classified as Likely pathogenic according to the recommendation of ACMG/AMP guideline.

NM_170675.5(MEIS2):c.908A>G (p.Tyr303Cys)

Gene: MEIS2 (Meis homeobox 2; minus strand). Cytogenetic location: 15q14.
Variant type: single nucleotide variant.
Coding change: c.908A>G on transcript NM_170675.5 (MANE Select); coding-DNA position 908, A replaced by G.
Protein change: p.Tyr303Cys; replaces tyrosine 303 with cysteine.
Molecular consequence: missense variant.
Genome position (GRCh38, 1-based): chr15:36,950,393, T>C on the plus strand (A>G on the coding strand, the complement: MEIS2 is on the minus strand). VCF-style: chr15-36950393-T-C. GRCh37 (hg19) VCF-style: chr15-37242594-T-C.
Other names: c.908A>G, p.Tyr303Cys (NM_001220482.2, NM_170674.5, NM_170676.5 and 1 more transcripts); c.869A>G, p.Tyr290Cys (NM_002399.4, NM_172315.3); c.644A>G, p.Tyr215Cys (NM_172316.3); short protein forms Y215C, Y290C, Y303C.
Identifiers: ClinVar variation 3775531 (VCV003775531.1).
Genomic context (GRCh38, chr15:36,950,393, plus strand): 5'-ACTTGGAGAATTGTAAGTCCTGTGTCTTGCGCTAACTGTTTCTTCTGCTCTTCGGAAGGG[T>C]ACGGATGCTAATGGAAAAACAAATGTTTTAAAAGATGGATCAGAAGTTAAGAAAGAGTCA-3'
Protein context (NP_733775.1, residues 293-313): AWLFQHLTHP[Tyr303Cys]PSEEQKKQLA